The following is an entry in ClinVar:

NM_002161.6(IARS1):c.59A>G (p.Glu20Gly)

Gene: IARS1 (isoleucyl-tRNA synthetase 1; minus strand). Cytogenetic location: 9q22.31.
Variant type: single nucleotide variant.
Coding change: c.59A>G on transcript NM_002161.6 (MANE Select); coding-DNA position 59, A replaced by G.
Protein change: p.Glu20Gly; replaces glutamic acid 20 with glycine.
Molecular consequence: missense variant. On other transcripts: non-coding transcript variant (1).
Genome position (GRCh38, 1-based): chr9:92,289,361, T>C on the plus strand (A>G on the coding strand, the complement: IARS1 is on the minus strand). VCF-style: chr9-92289361-T-C. GRCh37 (hg19) VCF-style: chr9-95051643-T-C.
Other names: c.59A>G, p.Glu20Gly (NM_001374299.1, NM_001374300.1, NM_001374301.1 and 17 more transcripts); short protein forms E20G.
Identifiers: ClinVar variation 3107825 (VCV003107825.1), dbSNP rs768481350, ClinGen allele CA373809020.

ClinVar aggregate classification (germline): Uncertain significance (1 of 4 stars; one submission).

Submission:

Ambry Genetics
Classification: Uncertain significance. Last evaluated: 2020-12-28. Review status: criteria provided, single submitter. Criteria: Ambry Variant Classification Scheme 2023. Collection method: clinical testing. Allele origin: germline.
Comment: The c.59A>G (p.E20G) alteration is located in exon 2 (coding exon 1) of the IARS gene. This alteration results from a A to G substitution at nucleotide position 59, causing the glutamic acid (E) at amino acid position 20 to be replaced by a glycine (G). The p.E20G alteration is predicted to be tolerated by in silico analysis. Based on insufficient or conflicting evidence, the clinical significance of this alteration remains unclear.